The following is an entry in ClinVar:

ClinVar aggregate classification (germline): Uncertain significance. Review status: criteria provided, multiple submitters, no conflicts (2 of 4 stars). 2 submissions from 2 submitters: Uncertain significance (2). Last evaluated 2024-12-10.

Conditions:
Hereditary cancer-predisposing syndrome. Also called: Neoplastic Syndromes, Hereditary; Hereditary Cancer Syndrome; Hereditary neoplastic syndrome; Tumor predisposition. Identifiers: Orphanet 140162, MedGen C0027672, MeSH D009386, MONDO:0015356.
Gorlin syndrome. Also called: Nevoid Basal Cell Carcinoma Syndrome; Basal cell nevus syndrome. Identifiers: Orphanet 377, MedGen C0004779, MONDO:0007187.

Submissions (2):

Ambry Genetics
Classification: Uncertain significance for Hereditary cancer-predisposing syndrome. Last evaluated: 2024-12-10. Review status: criteria provided, single submitter. Criteria: Ambry Variant Classification Scheme 2023. Collection method: clinical testing. Allele origin: germline.
Comment: The p.R1442G variant (also known as c.4324C>G), located in coding exon 23 of the PTCH1 gene, results from a C to G substitution at nucleotide position 4324. The arginine at codon 1442 is replaced by glycine, an amino acid with dissimilar properties. This amino acid position is not well conserved in available vertebrate species. In addition, this alteration is predicted to be tolerated by in silico analysis. Since supporting evidence is limited at this time, the clinical significance of this alteration remains unclear.

Labcorp Genetics (formerly Invitae), Labcorp
Classification: Uncertain significance for Gorlin syndrome. Last evaluated: 2019-12-04. Review status: criteria provided, single submitter. Criteria: Invitae Variant Classification Sherloc (09022015). Collection method: clinical testing. Allele origin: germline.
Comment: This sequence change replaces arginine with glycine at codon 1442 of the PTCH1 protein (p.Arg1442Gly). The arginine residue is weakly conserved and there is a moderate physicochemical difference between arginine and glycine. This variant is not present in population databases (ExAC no frequency). This variant has not been reported in the literature in individuals with PTCH1-related conditions. Algorithms developed to predict the effect of missense changes on protein structure and function (SIFT, PolyPhen-2, Align-GVGD) all suggest that this variant is likely to be tolerated, but these predictions have not been confirmed by published functional studies and their clinical significance is uncertain. In summary, the available evidence is currently insufficient to determine the role of this variant in disease. Therefore, it has been classified as a Variant of Uncertain Significance.

NM_000264.5(PTCH1):c.4324C>G (p.Arg1442Gly)

Gene: PTCH1 (patched 1; minus strand). Cytogenetic location: 9q22.32.
Variant type: single nucleotide variant.
Coding change: c.4324C>G on transcript NM_000264.5 (MANE Select); coding-DNA position 4324, C replaced by G.
Protein change: p.Arg1442Gly; replaces arginine 1442 with glycine.
Molecular consequence: missense variant. On other transcripts: non-coding transcript variant (1).
Genome position (GRCh38, 1-based): chr9:95,446,932, G>C on the plus strand (C>G on the coding strand, the complement: PTCH1 is on the minus strand). VCF-style: chr9-95446932-G-C. GRCh37 (hg19) VCF-style: chr9-98209214-G-C.
Other names: c.4126C>G, p.Arg1376Gly (NM_001083602.3); c.4321C>G, p.Arg1441Gly (NM_001083603.3); c.3871C>G, p.Arg1291Gly (NM_001083604.3, NM_001083605.3, NM_001083606.3 and 1 more transcripts); c.4168C>G, p.Arg1390Gly (NM_001354918.2); short protein forms R1291G, R1376G, R1390G, R1441G, R1442G.
Identifiers: ClinVar variation 824797 (VCV000824797.15), dbSNP rs143464326, ClinGen allele CA374109821.
Genomic context (GRCh38, chr9:95,446,932, plus strand): 5'-GCTCTAGGTCCCTTGGCTGCCCTTGTCAGTGGCACTCACCTCAGTTGGAGCTGCTTCCCC[G>C]GGGCCTCTCCTCGCATTCCACGTCCTGCAGCTCAATGACTTCCACCTTCGAATCCCTCCT-3'
Protein context (NP_000255.2, residues 1432-1447): LQDVECEERP[Arg1442Gly]GSSSN